The following is an entry in ClinVar:

ClinVar aggregate classification (germline): Pathogenic/Likely pathogenic. Review status: criteria provided, multiple submitters, no conflicts (2 of 4 stars). 2 submissions from 2 submitters: Pathogenic (1); Likely pathogenic (1). Last evaluated 2019-09-24.

Conditions:
Heterotopia, periventricular, X-linked dominant (PVNH1). Also called: PERIVENTRICULAR NODULAR HETEROTOPIA 1; X-linked periventricular heterotopia; PERIVENTRICULAR NODULAR HETEROTOPIA 4; HETEROTOPIA, PERIVENTRICULAR, 1. Identifiers: Orphanet 2149, Orphanet 82004, MedGen C1848213, MONDO:0010233, OMIM 300049.
Oto-palato-digital syndrome, type II (OPD2). Also called: FACIOPALATOOSSEOUS SYNDROME; OPD II SYNDROME; Otopalatodigital Syndrome Type 2 (FLNA-OPD2); Otopalatodigital Syndrome, Type II. Identifiers: Orphanet 669, Orphanet 90652, MedGen C1844696, MONDO:0010571, OMIM 304120.
Frontometaphyseal dysplasia (FMD1). Identifiers: Orphanet 1826, MedGen C0265293, MONDO:0015942.
Melnick-Needles syndrome (MNS). Also called: MELNICK-NEEDLES OSTEODYSPLASTY; OSTEODYSPLASTY OF MELNICK AND NEEDLES; Melnick-Needles Syndrome (FLNA-MNS). Identifiers: Orphanet 2484, MedGen C0025237, MONDO:0010650, OMIM 309350.

Submissions (2):

Labcorp Genetics (formerly Invitae), Labcorp
Classification: Pathogenic for Oto-palato-digital syndrome, type II; Heterotopia, periventricular, X-linked dominant; Frontometaphyseal dysplasia; Melnick-Needles syndrome. Last evaluated: 2019-09-24. Review status: criteria provided, single submitter. Criteria: Invitae Variant Classification Sherloc (09022015). Collection method: clinical testing. Allele origin: germline.
Comment: While this is not anticipated to result in nonsense mediated decay, it is expected to disrupt the last 54 amino acids of the FLNA protein and is expected to extend the length of the FLNA protein by 104 additional residues. This variant is not present in population databases (ExAC no frequency). This variant has been observed to segregate with clinical features of FLNA-related disorders in a family (Invitae). ClinVar contains an entry for this variant (Variation ID: 453200). This variant results in an extension of the FLNA protein. Other variant(s) that result in a similarly extended protein product (p.Glu2617Valfs*124) have been determined to be pathogenic (Invitae). This suggests that these extensions are likely to be causative of disease. For these reasons, this variant has been classified as Pathogenic.

GeneDx
Classification: Likely pathogenic. Last evaluated: 2017-11-07. Review status: criteria provided, single submitter. Criteria: GeneDx Variant Classification (06012015). Collection method: clinical testing. Allele origin: germline. Affected: yes.
Comment: Although the c.7755_7756insTTCGGGG variant in the FLNA gene has not been reported to our knowledge, this variant causes a shift in reading frame starting at codon valine 2586, changing it to a phenylalanine, and replaces the last 54 amino acids with 157 incorrect amino acids, thus altering and extending the resulting protein product. Other frameshift variants in the FLNA gene that extend the protein have been reported in Human Gene Mutation Database in association with PH (Stenson et al., 2014). Furthermore, the c.7755_7756insTTCGGGG variant has not been observed in large population cohorts (Lek et al., 2016).

NM_001110556.2(FLNA):c.7779_7780insTTCGGGG (p.Val2594fs)

Genes: FLNA (filamin A; minus strand), LOC107988032 (Xq28 proximal FLNA-EMD recombination region; plus strand). Cytogenetic location: Xq28.
Variant type: Microsatellite.
Coding change: c.7779_7780insTTCGGGG on transcript NM_001110556.2 (MANE Select); coding-DNA positions 7779 to 7780, TTCGGGG inserted.
Protein change: p.Val2594fs; shifts the reading frame from valine 2594.
Molecular consequence: frameshift variant.
Genome position: GRCh38 VCF-style: chrX-154349013-C-CCCCCGAA. GRCh37 (hg19) VCF-style: chrX-153577381-C-CCCCCGAA.
Other names: c.7755_7756insTTCGGGG, p.Val2586fs (NM_001456.4); short protein forms V2586fs, V2594fs.
Identifiers: ClinVar variation 453200 (VCV000453200.12), dbSNP rs1557175195.
Genomic context (GRCh38, chrX:154,349,013, plus strand): 5'-AGAGCCGGCTGCCCACGTGCTTCACCAGGATCTCCTCGCAGGGGGTCCTTGGGCCATGAA[C>CCCCCGAA]CCCCACCAGCAGCATGTTGTTGCCTGAGGCAAGAGGGGTCCTCAGTCCCAGGTCCCAGCC-3'